The following is an entry in ClinVar:

ClinVar aggregate classification (germline): Uncertain significance. Review status: criteria provided, multiple submitters, no conflicts (2 of 4 stars). 4 submissions from 4 submitters: Uncertain significance (4). Last evaluated 2025-09-03.

Conditions:
Multiple endocrine neoplasia type 4. Also called: MULTIPLE ENDOCRINE NEOPLASIA, TYPE IV. Identifiers: Orphanet 276152, MedGen C1970712, MONDO:0012552, OMIM 610755.
Hereditary cancer-predisposing syndrome. Also called: Hereditary neoplastic syndrome; Neoplastic Syndromes, Hereditary; Hereditary Cancer Syndrome; Tumor predisposition. Identifiers: Orphanet 140162, MedGen C0027672, MeSH D009386, MONDO:0015356.

Allele frequency attached by ClinVar (database versions not stated): TOPMed below 0.00001; gnomAD 0.00001.

Submissions (4):

Ambry Genetics
Classification: Uncertain significance for Hereditary cancer-predisposing syndrome. Last evaluated: 2025-09-03. Review status: criteria provided, single submitter. Criteria: Ambry Variant Classification Scheme 2023. Collection method: clinical testing. Allele origin: germline.
Comment: The p.P91L variant (also known as c.272C>T), located in coding exon 1 of the CDKN1B gene, results from a C to T substitution at nucleotide position 272. The proline at codon 91 is replaced by leucine, an amino acid with similar properties. This variant was reported in individual(s) with features consistent with CDKN1B-related multiple endocrine neoplasia (Mart&iacute;nez de LaPiscina I et al. Eur J Endocrinol, 2021 Aug;185:485-496; Chevalier B et al. J Clin Endocrinol Metab, 2024 Jun;109:e1482-e1493). This amino acid position is not well conserved in available vertebrate species. In addition, the in silico prediction for this alteration is inconclusive. Based on the available evidence, the clinical significance of this variant remains unclear.

Labcorp Genetics (formerly Invitae), Labcorp
Classification: Uncertain significance for Multiple endocrine neoplasia type 4. Last evaluated: 2025-05-21. Review status: criteria provided, single submitter. Criteria: Invitae Variant Classification Sherloc (09022015). Collection method: clinical testing. Allele origin: germline.
Comment: This sequence change replaces proline, which is neutral and non-polar, with leucine, which is neutral and non-polar, at codon 91 of the CDKN1B protein (p.Pro91Leu). This variant is present in population databases (rs768793049, gnomAD 0.0009%). This missense change has been observed in individual(s) with pituitary adenoma (PMID: 34313605). ClinVar contains an entry for this variant (Variation ID: 573612). An algorithm developed to predict the effect of missense changes on protein structure and function (PolyPhen-2) suggests that this variant is likely to be tolerated. In summary, the available evidence is currently insufficient to determine the role of this variant in disease. Therefore, it has been classified as a Variant of Uncertain Significance.

Fulgent Genetics
Classification: Uncertain significance for Multiple endocrine neoplasia type 4. Last evaluated: 2021-08-04. Review status: criteria provided, single submitter. Criteria: ACMG Guidelines, 2015. Collection method: clinical testing. Allele origin: unknown.

Breakthrough Genomics
Classification: Uncertain significance. Review status: criteria provided, single submitter. Criteria: ACMG Guidelines, 2015. Collection method: not provided. Allele origin: germline. Inheritance: Autosomal dominant inheritance. Affected: yes.

Literature cited by the submitters: PubMed 34313605 (cited by Ambry Genetics and Labcorp Genetics (formerly Invitae), Labcorp); PubMed 38288531 (cited by Ambry Genetics).

NM_004064.5(CDKN1B):c.272C>T (p.Pro91Leu)

Gene: CDKN1B (cyclin dependent kinase inhibitor 1B; plus strand). Cytogenetic location: 12p13.1.
Variant type: single nucleotide variant.
Coding change: c.272C>T on transcript NM_004064.5 (MANE Select); coding-DNA position 272, C replaced by T.
Protein change: p.Pro91Leu; replaces proline 91 with leucine.
Molecular consequence: missense variant.
Genome position (GRCh38, 1-based): chr12:12,718,111, C>T. VCF-style: chr12-12718111-C-T. GRCh37 (hg19) VCF-style: chr12-12871045-C-T.
Other names: c.272C>T (NM_004064.3); short protein forms P91L.
Identifiers: ClinVar variation 573612 (VCV000573612.13), dbSNP rs768793049, ClinGen allele CA6457437.